The following is an entry in ClinVar:

ClinVar aggregate classification (germline): Uncertain significance (1 of 4 stars; one submission).

Conditions:
Autosomal dominant hypocalcemia 1 (HYPOC1). Also called: HYPOCALCEMIA, FAMILIAL. Identifiers: MedGen C3715128, MONDO:0011013, OMIM 601198.
Familial hypocalciuric hypercalcemia (FHH). Also called: Familial benign hypercalcemia. Identifiers: Orphanet 405, MedGen C1809471, MONDO:0018458.

Submission:

Labcorp Genetics (formerly Invitae), Labcorp
Classification: Uncertain significance for Familial hypocalciuric hypercalcemia; Autosomal dominant hypocalcemia 1. Last evaluated: 2018-05-18. Review status: criteria provided, single submitter. Criteria: Invitae Variant Classification Sherloc (09022015). Collection method: clinical testing. Allele origin: germline.
Comment: In summary, the available evidence is currently insufficient to determine the role of this variant in disease. Therefore, it has been classified as a Variant of Uncertain Significance. Algorithms developed to predict the effect of missense changes on protein structure and function (SIFT, PolyPhen-2, Align-GVGD) all suggest that this variant is likely to be disruptive, but these predictions have not been confirmed by published functional studies. This variant has been reported in individuals with familial hypocalciuric hypercalcemia (FHH) (PMID: 26963950). ClinVar contains an entry for this variant (Variation ID: 410324). This variant is not present in population databases (ExAC no frequency). This sequence change replaces glycine with glutamic acid at codon 509 of the CASR protein (p.Gly509Glu). The glycine residue is highly conserved and there is a moderate physicochemical difference between glycine and glutamic acid.

Literature cited by the submitters: PubMed 26963950.

NM_000388.4(CASR):c.1526G>A (p.Gly509Glu)

Gene: CASR (calcium sensing receptor; plus strand). Cytogenetic location: 3q21.1.
Variant type: single nucleotide variant.
Coding change: c.1526G>A on transcript NM_000388.4 (MANE Select); coding-DNA position 1526, G replaced by A.
Protein change: p.Gly509Glu; replaces glycine 509 with glutamic acid.
Molecular consequence: missense variant.
Genome position (GRCh38, 1-based): chr3:122,275,960, G>A. VCF-style: chr3-122275960-G-A. GRCh37 (hg19) VCF-style: chr3-121994807-G-A.
Other names: c.1526G>A, p.Gly509Glu (NM_001178065.2); short protein forms G509E.
Identifiers: ClinVar variation 410324 (VCV000410324.10), dbSNP rs1060502845, ClinGen allele CA16611121.